The following is an entry in ClinVar:

ClinVar aggregate classification (germline): Likely benign. Review status: criteria provided, multiple submitters, no conflicts (2 of 4 stars). 2 submissions from 2 submitters: Likely benign (2). Last evaluated 2026-04-01.

gnomAD v4.1: 121 of 1,511,164 alleles (0.008%); highest among the groups gnomAD compares: Non-Finnish European, 0.0098%; no homozygotes.

Submissions (2):

CeGaT Center for Human Genetics Tuebingen
Classification: Likely benign. Last evaluated: 2026-04-01. Review status: criteria provided, single submitter. Criteria: CeGaT Center For Human Genetics Tuebingen Variant Classification Criteria Version 2. Collection method: clinical testing. Allele origin: germline. Affected: yes. Observed: 1 variant allele.
Comment: CDC42BPB: BP4, BP7

Blueprint Genetics
Classification: Likely benign. Last evaluated: 2024-10-03. Review status: criteria provided, single submitter. Criteria: ACMG Guidelines, 2015. Collection method: clinical testing. Allele origin: germline.

NM_006035.4(CDC42BPB):c.43C>T (p.Leu15=)

Gene: CDC42BPB (CDC42 binding protein kinase beta; minus strand). Cytogenetic location: 14q32.32.
Variant type: single nucleotide variant.
Coding change: c.43C>T on transcript NM_006035.4 (MANE Select); coding-DNA position 43, C replaced by T.
Protein change: p.Leu15=; no amino-acid change (leucine 15 retained).
Molecular consequence: synonymous variant.
Genome position (GRCh38, 1-based): chr14:103,057,131, G>A on the plus strand (C>T on the coding strand, the complement: CDC42BPB is on the minus strand). VCF-style: chr14-103057131-G-A. GRCh37 (hg19) VCF-style: chr14-103523468-G-A.
Other names: c.43C>T, p.Leu15= (NM_001411054.1).
Identifiers: ClinVar variation 4872911 (VCV004872911.3).